The following is an entry in ClinVar:

NM_003476.5(CSRP3):c.242G>A (p.Ser81Asn)

Gene: CSRP3 (cysteine and glycine rich protein 3; minus strand). Cytogenetic location: 11p15.1.
Variant type: single nucleotide variant.
Coding change: c.242G>A on transcript NM_003476.5 (MANE Select); coding-DNA position 242, G replaced by A.
Protein change: p.Ser81Asn; replaces serine 81 with asparagine.
Molecular consequence: missense variant. On other transcripts: intron variant (1).
Genome position (GRCh38, 1-based): chr11:19,188,175, C>T on the plus strand (G>A on the coding strand, the complement: CSRP3 is on the minus strand). VCF-style: chr11-19188175-C-T. GRCh37 (hg19) VCF-style: chr11-19209722-C-T.
Other names: c.113-1827G>A (NM_001369404.1); short protein forms S81N.
Identifiers: ClinVar variation 659355 (VCV000659355.8), dbSNP rs1401452451, ClinGen allele CA379888192.

ClinVar aggregate classification (germline): Uncertain significance (1 of 4 stars; one submission).

Conditions:
Hypertrophic cardiomyopathy 12. Identifiers: MedGen C2677491, MONDO:0012804, OMIM 612124.
Dilated cardiomyopathy 1M (CMD1M). Identifiers: Orphanet 154, MedGen C1843808, MONDO:0011840, OMIM 607482.

Allele frequency attached by ClinVar (database versions not stated): gnomAD 0.00003.
gnomAD v4.1: 4 of 1,613,996 alleles (0.00025%); highest among the groups gnomAD compares: African/African-American, 0.004%; no homozygotes.

Submission:

Labcorp Genetics (formerly Invitae), Labcorp
Classification: Uncertain significance for Hypertrophic cardiomyopathy 12; Dilated cardiomyopathy 1M. Last evaluated: 2023-01-02. Review status: criteria provided, single submitter. Criteria: Invitae Variant Classification Sherloc (09022015). Collection method: clinical testing. Allele origin: germline.
Comment: This sequence change replaces serine, which is neutral and polar, with asparagine, which is neutral and polar, at codon 81 of the CSRP3 protein (p.Ser81Asn). This variant is present in population databases (no rsID available, gnomAD 0.01%). This variant has not been reported in the literature in individuals affected with CSRP3-related conditions. ClinVar contains an entry for this variant (Variation ID: 659355). Algorithms developed to predict the effect of missense changes on protein structure and function are either unavailable or do not agree on the potential impact of this missense change (SIFT: "Deleterious"; PolyPhen-2: "Benign"; Align-GVGD: "Class C0"). In summary, the available evidence is currently insufficient to determine the role of this variant in disease. Therefore, it has been classified as a Variant of Uncertain Significance.